The following is an entry in ClinVar:

ClinVar aggregate classification (germline): Benign/Likely benign. Review status: criteria provided, multiple submitters, no conflicts (2 of 4 stars). 3 submissions from 3 submitters: Benign (1); Likely benign (1). 1 of the submissions does not count toward it. Last evaluated 2025-11-16.

Conditions:
TAP1-related disorder. Also called: TAP1-related condition.
MHC class I deficiency. Identifiers: Orphanet 34592, MedGen C6024714, MONDO:0011476.

Allele frequency attached by ClinVar (database versions not stated): gnomAD exomes 0.00005; 1000 Genomes Project 0.00040; gnomAD 0.00057 and 0.00065; 1000 Genomes Project 30x 0.00062; TOPMed 0.00076; ESP Exome Variant Server 0.00096.
gnomAD v4.1: 165 of 1,612,328 alleles (0.01%); highest among the groups gnomAD compares: African/African-American, 0.2%; no homozygotes.

Submissions (3):

Labcorp Genetics (formerly Invitae), Labcorp
Classification: Benign for MHC class I deficiency 1. Last evaluated: 2025-11-16. Review status: criteria provided, single submitter. Criteria: Invitae Variant Classification Sherloc (09022015). Collection method: clinical testing. Allele origin: germline.

Blueprint Genetics
Classification: Likely benign. Last evaluated: 2021-11-11. Review status: criteria provided, single submitter. Criteria: ACMG Guidelines, 2015. Collection method: clinical testing. Allele origin: germline.

PreventionGenetics, part of Exact Sciences
Classification: Likely benign for TAP1-related condition. Last evaluated: 2019-05-23. Review status: no assertion criteria provided. Collection method: clinical testing. Allele origin: germline. Not counted in ClinVar's aggregate classification.
Comment: This variant is classified as likely benign based on ACMG/AMP sequence variant interpretation guidelines (Richards et al. 2015 PMID: 25741868, with internal and published modifications).

NM_000593.6(TAP1):c.588C>G (p.Leu196=)

Gene: TAP1 (transporter 1, ATP binding cassette subfamily B member; minus strand). Cytogenetic location: 6p21.32.
Variant type: single nucleotide variant.
Coding change: c.588C>G on transcript NM_000593.6 (MANE Select); coding-DNA position 588, C replaced by G.
Protein change: p.Leu196=; no amino-acid change (leucine 196 retained).
Molecular consequence: synonymous variant.
Genome position (GRCh38, 1-based): chr6:32,853,049, G>C on the plus strand (C>G on the coding strand, the complement: TAP1 is on the minus strand). VCF-style: chr6-32853049-G-C. GRCh37 (hg19) VCF-style: chr6-32820826-G-C.
Identifiers: ClinVar variation 534716 (VCV000534716.15), dbSNP rs2228109, ClinGen allele CA3746994.